The following is an entry in ClinVar:

NM_000426.4(LAMA2):c.1419dup (p.Leu474fs)

Gene: LAMA2 (laminin subunit alpha 2; plus strand). Cytogenetic location: 6q22.33.
Variant type: Duplication.
Coding change: c.1419dup on transcript NM_000426.4 (MANE Select); coding-DNA position 1419, one base duplicated (G; older notation c.1419dupG).
Protein change: p.Leu474fs; shifts the reading frame from leucine 474.
Molecular consequence: frameshift variant.
Genome position (GRCh38, 1-based): chr6:129,177,818, G duplicated; the last of 3 consecutive G bases (chr6:129,177,816-129,177,818); duplicating any one gives the same sequence. VCF-style (leftmost placement, unchanged base first): chr6-129177815-T-TG. GRCh37 (hg19) VCF-style: chr6-129498960-T-TG.
Other names: c.1419dup, p.Leu474fs (NM_001079823.2); short protein forms L474fs.
Identifiers: ClinVar variation 2760968 (VCV002760968.3), dbSNP rs2482725528, ClinGen allele CA2697553724.

ClinVar aggregate classification (germline): Pathogenic (1 of 4 stars; one submission).

Conditions:
LAMA2-related muscular dystrophy (LAMA2-RD). Also called: Laminin alpha 2-related dystrophy. Identifiers: MedGen C5679788, MONDO:0100228.

Submission:

Labcorp Genetics (formerly Invitae), Labcorp
Classification: Pathogenic for LAMA2-related muscular dystrophy. Last evaluated: 2023-09-15. Review status: criteria provided, single submitter. Criteria: Invitae Variant Classification Sherloc (09022015). Collection method: clinical testing. Allele origin: germline.
Comment: For these reasons, this variant has been classified as Pathogenic. This variant has not been reported in the literature in individuals affected with LAMA2-related conditions. This variant is not present in population databases (gnomAD no frequency). This sequence change creates a premature translational stop signal (p.Leu474Valfs*6) in the LAMA2 gene. It is expected to result in an absent or disrupted protein product. Loss-of-function variants in LAMA2 are known to be pathogenic (PMID: 18700894, 32904964).

Literature cited by the submitters: PubMed 18700894; PubMed 32904964.